The following is an entry in ClinVar:

NM_005458.8(GABBR2):c.2396G>A (p.Arg799Gln)

Gene: GABBR2 (gamma-aminobutyric acid type B receptor subunit 2; minus strand). Cytogenetic location: 9q22.33.
Variant type: single nucleotide variant.
Coding change: c.2396G>A on transcript NM_005458.8 (MANE Select); coding-DNA position 2396, G replaced by A.
Protein change: p.Arg799Gln; replaces arginine 799 with glutamine.
Molecular consequence: missense variant.
Genome position (GRCh38, 1-based): chr9:98,303,257, C>T on the plus strand (G>A on the coding strand, the complement: GABBR2 is on the minus strand). VCF-style: chr9-98303257-C-T. GRCh37 (hg19) VCF-style: chr9-101065539-C-T.
Other names: c.2396G>A (NM_005458.7); short protein forms R799Q.
Identifiers: ClinVar variation 1713443 (VCV001713443.6), dbSNP rs1157758873, ClinGen allele CA374197087.
Genomic context (GRCh38, chr9:98,303,257, plus strand): 5'-TCAGTGGCAGACAGGGCCCAGCTACCAGATGCAGAGGGAGGTACCTCTGTGATCTTCATT[C>T]GCAGGCGATGGTTTTCTGACTGTAGGCCCTCCAGGCGGGATGTGCTGGCTTGGTTCACAC-3'
Protein context (NP_005449.5, residues 789-809): EGLQSENHRL[Arg799Gln]MKITELDKDL

ClinVar aggregate classification (germline): Uncertain significance. Review status: criteria provided, multiple submitters, no conflicts (2 of 4 stars). 2 submissions from 2 submitters: Uncertain significance (2). Last evaluated 2024-12-03.

Conditions:
Inborn genetic diseases. Identifiers: MedGen C0950123, MeSH D030342.
Epileptic encephalopathy. Identifiers: MedGen C0543888, HP:0200134.

Allele frequency attached by ClinVar (database versions not stated): gnomAD exomes below 0.00001.
gnomAD v4.1: 7 of 1,614,116 alleles (0.00043%); highest among the groups gnomAD compares: South Asian, 0.0011%; no homozygotes.

Submissions (2):

Ambry Genetics
Classification: Uncertain significance for Inborn genetic diseases. Last evaluated: 2024-12-03. Review status: criteria provided, single submitter. Criteria: Ambry Variant Classification Scheme 2023. Collection method: clinical testing. Allele origin: germline.

Labcorp Genetics (formerly Invitae), Labcorp
Classification: Uncertain significance for Epileptic encephalopathy. Last evaluated: 2024-02-01. Review status: criteria provided, single submitter. Criteria: Invitae Variant Classification Sherloc (09022015). Collection method: clinical testing. Allele origin: germline.
Comment: This sequence change replaces arginine, which is basic and polar, with glutamine, which is neutral and polar, at codon 799 of the GABBR2 protein (p.Arg799Gln). This variant is present in population databases (no rsID available, gnomAD 0.003%). This variant has not been reported in the literature in individuals affected with GABBR2-related conditions. ClinVar contains an entry for this variant (Variation ID: 1713443). Advanced modeling of protein sequence and biophysical properties (such as structural, functional, and spatial information, amino acid conservation, physicochemical variation, residue mobility, and thermodynamic stability) performed at Invitae indicates that this missense variant is not expected to disrupt GABBR2 protein function with a negative predictive value of 80%. In summary, the available evidence is currently insufficient to determine the role of this variant in disease. Therefore, it has been classified as a Variant of Uncertain Significance.